The following is an entry in ClinVar:

NM_000426.4(LAMA2):c.8603dup (p.Asn2868fs)

Gene: LAMA2 (laminin subunit alpha 2; plus strand). Cytogenetic location: 6q22.33.
Variant type: Duplication.
Coding change: c.8603dup on transcript NM_000426.4 (MANE Select); coding-DNA position 8603, one base duplicated (A; older notation c.8603dupA).
Protein change: p.Asn2868fs; shifts the reading frame from asparagine 2868.
Molecular consequence: frameshift variant.
Genome position (GRCh38, 1-based): chr6:129,505,255, A duplicated; the last of 2 consecutive A bases (chr6:129,505,254-129,505,255); duplicating either gives the same sequence. VCF-style (leftmost placement, unchanged base first): chr6-129505253-C-CA. GRCh37 (hg19) VCF-style: chr6-129826398-C-CA.
Other names: c.8591dup, p.Asn2864fs (NM_001079823.2); short protein forms N2864fs, N2868fs.
Identifiers: ClinVar variation 1726127 (VCV001726127.3), dbSNP rs2533549889, ClinGen allele CA2580075019.

ClinVar aggregate classification (germline): Likely pathogenic (1 of 4 stars; one submission).

Conditions:
LAMA2-related muscular dystrophy (LAMA2-RD). Also called: Laminin alpha 2-related dystrophy. Identifiers: MedGen C5679788, MONDO:0100228.

Submission:

Myriad Genetics, Inc.
Classification: Likely pathogenic for LAMA2-related muscular dystrophy. Last evaluated: 2022-05-18. Review status: criteria provided, single submitter. Criteria: Myriad Autosomal Dominant, Autosomal Recessive and X-Linked Classification Criteria (2023). Collection method: clinical testing. Allele origin: unknown.
Comment: NM_000426.3(LAMA2):c.8603dupA(N2868Kfs*38) is expected to be pathogenic in the context of muscular dystrophy, LAMA2-related. This variant is predicted to lead to an abnormal or absent protein product due to the creation of a premature termination codon in LAMA2, a gene where loss-of-function variants are known to be pathogenic. Please note: this variant was assessed in the context of healthy population screening.